The following is an entry in ClinVar:

ClinVar aggregate classification (germline): Benign. Review status: criteria provided, multiple submitters, no conflicts (2 of 4 stars). 5 submissions from 5 submitters: Benign (2). 3 of the submissions do not count toward it. Last evaluated 2018-11-13.

Conditions:
Galloway-Mowat syndrome 1 (GAMOS1). Identifiers: Orphanet 2065, Orphanet 83472, MedGen C4551772, MONDO:0033005, OMIM 251300.

Allele frequency attached by ClinVar (database versions not stated): ESP Exome Variant Server 0.75277; gnomAD exomes 0.73603 and 0.74816; gnomAD 0.75696 and 0.75745; TOPMed 0.75985; ExAC 0.75013; 1000 Genomes Project 30x 0.77873; 1000 Genomes Project 0.78395.
gnomAD v4.1: 1,191,694 of 1,613,858 alleles (74%); highest among the groups gnomAD compares: East Asian, 93%; 441,694 homozygotes.

Submissions (5):

GeneDx
Classification: Benign. Last evaluated: 2018-11-13. Review status: criteria provided, single submitter. Criteria: GeneDx Variant Classification Process June 2021. Collection method: clinical testing. Allele origin: germline. Affected: yes.

Breakthrough Genomics
Classification: Benign. Review status: criteria provided, single submitter. Criteria: ACMG Guidelines, 2015. Collection method: not provided. Allele origin: germline. Inheritance: Unknown mechanism. Affected: yes.

Clinical Genetics DNA and cytogenetics Diagnostics Lab, Erasmus MC, Erasmus Medical Center
Classification: Benign. Review status: no assertion criteria provided. Collection method: clinical testing. Allele origin: germline. Affected: yes. Study: VKGL Data-share Consensus. Not counted in ClinVar's aggregate classification.

Diagnostic Laboratory, Department of Genetics, University Medical Center Groningen
Classification: Benign for Galloway-Mowat syndrome 1. Review status: no assertion criteria provided. Collection method: clinical testing. Allele origin: germline. Affected: yes. Study: VKGL Data-share Consensus. Not counted in ClinVar's aggregate classification.

Genetic Services Laboratory, University of Chicago
Classification: Likely benign for AllHighlyPenetrant. Review status: no assertion criteria provided. Collection method: clinical testing. Allele origin: germline. Inheritance: Autosomal recessive inheritance. Not counted in ClinVar's aggregate classification.
Comment: Likely benign based on allele frequency in 1000 Genomes Project or ESP global frequency and its presence in a patient with a rare or unrelated disease phenotype. NOT Sanger confirmed.

NM_014630.3(ZNF592):c.2238A>G (p.Gln746=)

Gene: ZNF592 (zinc finger protein 592; plus strand). Cytogenetic location: 15q25.3.
Variant type: single nucleotide variant.
Coding change: c.2238A>G on transcript NM_014630.3 (MANE Select); coding-DNA position 2238, A replaced by G.
Protein change: p.Gln746=; no amino-acid change (glutamine 746 retained).
Molecular consequence: synonymous variant.
Genome position (GRCh38, 1-based): chr15:84,790,722, A>G. VCF-style: chr15-84790722-A-G. GRCh37 (hg19) VCF-style: chr15-85333953-A-G.
Identifiers: ClinVar variation 130839 (VCV000130839.10), dbSNP rs2241645, ClinGen allele CA156151.